The following is an entry in ClinVar:

ClinVar aggregate classification (germline): Uncertain significance (1 of 4 stars; one submission).

gnomAD v4.1: 19 of 1,614,044 alleles (0.0012%); highest among the groups gnomAD compares: East Asian, 0.042%; no homozygotes.

Submission:

Labcorp Genetics (formerly Invitae), Labcorp
Classification: Uncertain significance. Last evaluated: 2025-08-12. Review status: criteria provided, single submitter. Criteria: Invitae Variant Classification Sherloc (09022015). Collection method: clinical testing. Allele origin: germline.
Comment: This sequence change replaces alanine, which is neutral and non-polar, with valine, which is neutral and non-polar, at codon 144 of the CARD8 protein (p.Ala144Val). This variant is present in population databases (rs776337527, gnomAD 0.03%). This variant has not been reported in the literature in individuals affected with CARD8-related conditions. ClinVar contains an entry for this variant (Variation ID: 3614731). An algorithm developed to predict the effect of missense changes on protein structure and function outputs the following: PolyPhen-2: "Benign". The valine amino acid residue is found in multiple mammalian species, which suggests that this missense change does not adversely affect protein function. In summary, the available evidence is currently insufficient to determine the role of this variant in disease. Therefore, it has been classified as a Variant of Uncertain Significance.

NM_001184900.3(CARD8):c.581C>T (p.Ala194Val)

Gene: CARD8 (caspase recruitment domain family member 8; minus strand). Cytogenetic location: 19q13.33.
Variant type: single nucleotide variant.
Coding change: c.581C>T on transcript NM_001184900.3 (MANE Select); coding-DNA position 581, C replaced by T.
Protein change: p.Ala194Val; replaces alanine 194 with valine.
Molecular consequence: missense variant. On other transcripts: non-coding transcript variant (4).
Genome position (GRCh38, 1-based): chr19:48,230,968, G>A on the plus strand (C>T on the coding strand, the complement: CARD8 is on the minus strand). VCF-style: chr19-48230968-G-A. GRCh37 (hg19) VCF-style: chr19-48734225-G-A.
Other names: c.431C>T, p.Ala144Val (NM_001184901.1, NM_001351783.2, NM_001351788.2 and 2 more transcripts); c.581C>T, p.Ala194Val (NM_001184902.2, NM_001184903.1, NM_001351782.2); c.266C>T, p.Ala89Val (NM_001351784.2, NM_001351787.2, NM_001351791.2 and 2 more transcripts); c.245C>T, p.Ala82Val (NM_001351786.2); c.338C>T, p.Ala113Val (NM_001351790.2); short protein forms A113V, A144V, A194V, A82V, A89V.
Identifiers: ClinVar variation 3614731 (VCV003614731.2).